The following is an entry in ClinVar:

NM_003738.5(PTCH2):c.2882G>A (p.Arg961Gln)

Gene: PTCH2 (patched 2; minus strand). Cytogenetic location: 1p34.1.
Variant type: single nucleotide variant.
Coding change: c.2882G>A on transcript NM_003738.5 (MANE Select); coding-DNA position 2882, G replaced by A.
Protein change: p.Arg961Gln; replaces arginine 961 with glutamine.
Molecular consequence: missense variant.
Genome position (GRCh38, 1-based): chr1:44,826,582, C>T on the plus strand (G>A on the coding strand, the complement: PTCH2 is on the minus strand). VCF-style: chr1-44826582-C-T. GRCh37 (hg19) VCF-style: chr1-45292254-C-T.
Other names: c.2882G>A, p.Arg961Gln (NM_001166292.2); short protein forms R961Q.
Identifiers: ClinVar variation 664735 (VCV000664735.13), dbSNP rs369745249, ClinGen allele CA822867.
Genomic context (GRCh38, chr1:44,826,582, plus strand): 5'-AGAGCACAGACGAGGAAAGTGCACACCAGCAGGATGCAGACGGCCAGCAGGAAGCAGCGC[C>T]GCAGGCCCAGATACTGTTCCCAGAAGAGGAAGGGGGAGCCGCTGGGGTAGGCGTGCACCC-3'
Protein context (NP_003729.3, residues 951-971): FLFWEQYLGL[Arg961Gln]RCFLLAVCIL

ClinVar aggregate classification (germline): Uncertain significance. Review status: criteria provided, multiple submitters, no conflicts (2 of 4 stars). 2 submissions from 2 submitters: Uncertain significance (2). Last evaluated 2024-10-28.

Conditions:
Basal cell carcinoma, susceptibility to, 1. Also called: BCC1. Identifiers: MedGen C2751544, MONDO:0011556, OMIM 605462.
Medulloblastoma (MDB). Also called: Medulloblastoma, somatic; MEDULLOBLASTOMA PREDISPOSITION SYNDROME. Identifiers: Orphanet 616, MedGen C0025149, MeSH D008527, MONDO:0007959, OMIM 155255, HP:0002885.
Gorlin syndrome. Also called: Nevoid Basal Cell Carcinoma Syndrome; Basal cell nevus syndrome. Identifiers: Orphanet 377, MedGen C0004779, MONDO:0007187.

Allele frequency attached by ClinVar (database versions not stated): gnomAD 0.00003 and 0.00002; TOPMed 0.00004; ESP Exome Variant Server 0.00008; gnomAD exomes 0.00001; ExAC 0.00003.
gnomAD v4.1: 17 of 1,613,182 alleles (0.0011%); highest among the groups gnomAD compares: African/African-American, 0.0067%; no homozygotes.

Submissions (2):

Labcorp Genetics (formerly Invitae), Labcorp
Classification: Uncertain significance for Gorlin syndrome. Last evaluated: 2024-10-28. Review status: criteria provided, single submitter. Criteria: Invitae Variant Classification Sherloc (09022015). Collection method: clinical testing. Allele origin: germline.
Comment: This sequence change replaces arginine, which is basic and polar, with glutamine, which is neutral and polar, at codon 961 of the PTCH2 protein (p.Arg961Gln). This variant is present in population databases (rs369745249, gnomAD 0.01%). This variant has not been reported in the literature in individuals affected with PTCH2-related conditions. ClinVar contains an entry for this variant (Variation ID: 664735). Invitae Evidence Modeling of protein sequence and biophysical properties (such as structural, functional, and spatial information, amino acid conservation, physicochemical variation, residue mobility, and thermodynamic stability) has been performed for this missense variant. However, the output from this modeling did not meet the statistical confidence thresholds required to predict the impact of this variant on PTCH2 protein function. In summary, the available evidence is currently insufficient to determine the role of this variant in disease. Therefore, it has been classified as a Variant of Uncertain Significance.

Fulgent Genetics
Classification: Uncertain significance for Medulloblastoma; Basal cell carcinoma, susceptibility to, 1. Last evaluated: 2024-02-21. Review status: criteria provided, single submitter. Criteria: ACMG Guidelines, 2015. Collection method: clinical testing. Allele origin: germline.